The following is an entry in ClinVar:

NM_001034850.3(RETREG1):c.1A>T (p.Met1Leu)

Genes: RETREG1 (reticulophagy regulator 1; minus strand), RETREG1-AS1 (RETREG1 antisense RNA 1; plus strand), LOC129993734 (ATAC-STARR-seq lymphoblastoid silent region 15947; plus strand). Cytogenetic location: 5p15.1.
Variant type: single nucleotide variant.
Coding change: c.1A>T on transcript NM_001034850.3 (MANE Select); coding-DNA position 1, A replaced by T.
Protein change: p.Met1Leu; changes the start codon (methionine 1).
Molecular consequence: missense variant, initiator codon variant.
Genome position (GRCh38, 1-based): chr5:16,616,971, T>A on the plus strand (A>T on the coding strand, the complement: RETREG1 is on the minus strand). VCF-style: chr5-16616971-T-A. GRCh37 (hg19) VCF-style: chr5-16617080-T-A.
Other names: short protein forms M1L.
Identifiers: ClinVar variation 1926607 (VCV001926607.6), dbSNP rs2477810369, ClinGen allele CA359293230.

ClinVar aggregate classification (germline): Uncertain significance (1 of 4 stars; one submission).

Submission:

Labcorp Genetics (formerly Invitae), Labcorp
Classification: Uncertain significance. Last evaluated: 2022-11-01. Review status: criteria provided, single submitter. Criteria: Invitae Variant Classification Sherloc (09022015). Collection method: clinical testing. Allele origin: germline.
Comment: In summary, the available evidence is currently insufficient to determine the role of this variant in disease. Therefore, it has been classified as a Variant of Uncertain Significance. Experimental studies and prediction algorithms are not available or were not evaluated, and the functional significance of this variant is currently unknown. This variant has not been reported in the literature in individuals affected with RETREG1-related conditions. This variant is not present in population databases (gnomAD no frequency). This sequence change affects the initiator methionine of the RETREG1 mRNA. The next in-frame methionine is located at codon 123.